The following is an entry in ClinVar:

ClinVar aggregate classification (germline): Pathogenic/Likely pathogenic. Review status: criteria provided, multiple submitters, no conflicts (2 of 4 stars). 2 submissions from 2 submitters: Pathogenic (1); Likely pathogenic (1). Last evaluated 2025-04-08.

Conditions:
Desmin-related myofibrillar myopathy (MFM1). Also called: Desmin related myopathy (former name); Desmin storage myopathy (former name); Desminopathy; MYOFIBRILLAR MYOPATHY WITH ARRHYTHMOGENIC RIGHT VENTRICULAR CARDIOMYOPATHY; DESMIN-RELATED MYOPATHY WITH ARRHYTHMOGENIC RIGHT VENTRICULAR CARDIOMYOPATHY; Myofibrillar myopathy 1. Identifiers: Orphanet 363543, Orphanet 98909, MedGen C1832370, MONDO:0011076, OMIM 601419.
DES-related disorder. Also called: DES-related condition.

Submissions (2):

Labcorp Genetics (formerly Invitae), Labcorp
Classification: Pathogenic for Desmin-related myofibrillar myopathy. Last evaluated: 2025-04-08. Review status: criteria provided, single submitter. Criteria: Invitae Variant Classification Sherloc (09022015). Collection method: clinical testing. Allele origin: germline.
Comment: This sequence change creates a premature translational stop signal (p.Ala134Argfs*34) in the DES gene. It is expected to result in an absent or disrupted protein product. Loss-of-function variants in DES are known to be pathogenic (PMID: 23575897). This variant is not present in population databases (gnomAD no frequency). This variant has not been reported in the literature in individuals affected with DES-related conditions. ClinVar contains an entry for this variant (Variation ID: 2637262). For these reasons, this variant has been classified as Pathogenic.

PreventionGenetics, part of Exact Sciences
Classification: Likely pathogenic for DES-related condition. Last evaluated: 2022-09-22. Review status: criteria provided, single submitter. Criteria: ACMG Guidelines, 2015. Collection method: clinical testing. Allele origin: germline.
Comment: The DES c.400_410del11 variant is predicted to result in a frameshift and premature protein termination (p.Ala134Argfs*34). To our knowledge, this variant has not been reported in the literature or in a large population database, indicating this variant is rare. Frameshift variants in DES are expected to be pathogenic. This variant is interpreted as likely pathogenic.

Literature cited by the submitters: PubMed 23575897 (cited by Labcorp Genetics (formerly Invitae), Labcorp).

NM_001927.4(DES):c.400_410del (p.Ala134fs)

Gene: DES (desmin; plus strand). Cytogenetic location: 2q35.
Variant type: Deletion.
Coding change: c.400_410del on transcript NM_001927.4 (MANE Select); coding-DNA positions 400 to 410, 11 bases deleted (GCGGCGCTCGC).
Protein change: p.Ala134fs; shifts the reading frame from alanine 134.
Molecular consequence: frameshift variant.
Genome position (GRCh38, 1-based): chr2:219,418,862-219,418,872, GCGGCGCTCGC deleted; deleting any 11 consecutive bases within chr2:219,418,861-219,418,872 gives the same sequence; the c. name uses the placement nearest the transcript's 3' end. VCF-style (leftmost placement, unchanged base first): chr2-219418860-ACGCGGCGCTCG-A. GRCh37 (hg19) VCF-style: chr2-220283582-ACGCGGCGCTCG-A.
Other names: c.400_410del, p.Ala134fs (NM_001382708.1, NM_001382709.1, NM_001382710.1 and 3 more transcripts); c.400_410del11 (NM_001927.3); short protein forms A134fs.
Identifiers: ClinVar variation 2637262 (VCV002637262.3), dbSNP rs1954374671, ClinGen allele CA1042520775.